The following is an entry in ClinVar:

NM_178452.6(DNAAF1):c.*36C>T

Genes: DNAAF1 (dynein axonemal assembly factor 1; plus strand), TAF1C (TATA-box binding protein associated factor, RNA polymerase I subunit C; minus strand). Cytogenetic location: 16q24.1.
Variant type: single nucleotide variant.
Coding change: c.*36C>T on transcript NM_178452.6 (MANE Select); 36 bases downstream of the stop codon, C replaced by T.
Molecular consequence: 3 prime UTR variant.
Genome position (GRCh38, 1-based): chr16:84,177,877, C>T. VCF-style: chr16-84177877-C-T. GRCh37 (hg19) VCF-style: chr16-84211483-C-T.
Other names: c.*36C>T (NM_001318756.1); c.*1064G>A (NM_001243156.2, NM_001243157.2, NM_001243158.2 and 4 more transcripts).
Identifiers: ClinVar variation 262933 (VCV000262933.11), dbSNP rs8692, ClinGen allele CA8203198.

ClinVar aggregate classification (germline): Benign. Review status: criteria provided, multiple submitters, no conflicts (2 of 4 stars). 5 submissions from 5 submitters: Benign (5). Last evaluated 2021-07-30.

Conditions:
Primary ciliary dyskinesia 13. Also called: CILIARY DYSKINESIA, PRIMARY, 13, WITH OR WITHOUT SITUS INVERSUS. Identifiers: Orphanet 244, MedGen C2750790, MONDO:0013174, OMIM 613193.

Allele frequency attached by ClinVar (database versions not stated): gnomAD exomes 0.50157 and 0.51174; gnomAD 0.49327 and 0.49508; ExAC 0.51063; 1000 Genomes Project 30x 0.49828; 1000 Genomes Project 0.50180; TOPMed 0.50203; ESP Exome Variant Server 0.49131.
gnomAD v4.1: 769,934 of 1,536,582 alleles (50%); highest among the groups gnomAD compares: Admixed American, 56%; 192,974 homozygotes.

Submissions (5):

Genome-Nilou Lab
Classification: Benign for Primary ciliary dyskinesia 13. Last evaluated: 2021-07-30. Review status: criteria provided, single submitter. Criteria: ACMG Guidelines, 2015. Collection method: clinical testing. Allele origin: germline. Affected: no.

GeneDx
Classification: Benign. Last evaluated: 2018-11-10. Review status: criteria provided, single submitter. Criteria: GeneDx Variant Classification Process June 2021. Collection method: clinical testing. Allele origin: germline. Affected: yes.

Illumina Laboratory Services, Illumina
Classification: Benign for Primary ciliary dyskinesia 13. Last evaluated: 2018-01-13. Review status: criteria provided, single submitter. Criteria: ICSL Variant Classification Criteria 13 December 2019. Collection method: clinical testing. Allele origin: germline.
Comment: This variant was observed in the ICSL laboratory as part of a predisposition screen in an ostensibly healthy population. It had not been previously curated by ICSL or reported in the Human Gene Mutation Database (HGMD: prior to June 1st, 2018), and was therefore a candidate for classification through an automated scoring system. Utilizing variant allele frequency, disease prevalence and penetrance estimates, and inheritance mode, an automated score was calculated to assess if this variant is too frequent to cause the disease. Based on the score and internal cut-off values, a variant classified as benign is not then subjected to further curation. The score for this variant resulted in a classification of benign for this disease.

Breakthrough Genomics
Classification: Benign. Review status: criteria provided, single submitter. Criteria: ACMG Guidelines, 2015. Collection method: not provided. Allele origin: germline. Inheritance: Autosomal recessive inheritance. Affected: yes.

PreventionGenetics, part of Exact Sciences
Classification: Benign. Review status: criteria provided, single submitter. Criteria: ACMG Guidelines, 2015. Collection method: clinical testing. Allele origin: germline.